The following is an entry in ClinVar:

NM_032119.4(ADGRV1):c.18076A>G (p.Ile6026Val)

Gene: ADGRV1 (adhesion G protein-coupled receptor V1; plus strand). Cytogenetic location: 5q14.3.
Variant type: single nucleotide variant.
Coding change: c.18076A>G on transcript NM_032119.4 (MANE Select); coding-DNA position 18076, A replaced by G.
Protein change: p.Ile6026Val; replaces isoleucine 6026 with valine.
Molecular consequence: missense variant. On other transcripts: non-coding transcript variant (1).
Genome position (GRCh38, 1-based): chr5:90,985,446, A>G. VCF-style: chr5-90985446-A-G. GRCh37 (hg19) VCF-style: chr5-90281263-A-G.
Other names: short protein forms I6026V.
Identifiers: ClinVar variation 1474604 (VCV001474604.3), dbSNP rs897417122, ClinGen allele CA360429251.

ClinVar aggregate classification (germline): Uncertain significance (1 of 4 stars; one submission).

Submission:

Labcorp Genetics (formerly Invitae), Labcorp
Classification: Uncertain significance. Last evaluated: 2021-10-07. Review status: criteria provided, single submitter. Criteria: Invitae Variant Classification Sherloc (09022015). Collection method: clinical testing. Allele origin: germline.
Comment: This sequence change replaces isoleucine with valine at codon 6026 of the ADGRV1 protein (p.Ile6026Val). The isoleucine residue is moderately conserved and there is a small physicochemical difference between isoleucine and valine. This variant is not present in population databases (ExAC no frequency). This variant has not been reported in the literature in individuals affected with ADGRV1-related conditions. Algorithms developed to predict the effect of missense changes on protein structure and function output the following: SIFT: "Tolerated"; PolyPhen-2: "Benign"; Align-GVGD: "Class C0". The valine amino acid residue is found in multiple mammalian species, which suggests that this missense change does not adversely affect protein function. In summary, the available evidence is currently insufficient to determine the role of this variant in disease. Therefore, it has been classified as a Variant of Uncertain Significance.